The following is an entry in ClinVar:

ClinVar aggregate classification (germline): Conflicting classifications of pathogenicity. Review status: criteria provided, conflicting classifications (1 of 4 stars). 3 submissions from 3 submitters: Uncertain significance (2); Likely benign (1). Last evaluated 2026-01-28.

Conditions:
Juvenile polyposis syndrome (JPS). Identifiers: Orphanet 2929, MedGen C0345893, MONDO:0017380, OMIM 174900.
Hereditary cancer-predisposing syndrome. Also called: Neoplastic Syndromes, Hereditary; Hereditary Cancer Syndrome; Hereditary neoplastic syndrome; Tumor predisposition. Identifiers: Orphanet 140162, MedGen C0027672, MeSH D009386, MONDO:0015356.
Juvenile polyposis/hereditary hemorrhagic telangiectasia syndrome (JPHT). Also called: POLYPOSIS, GENERALIZED JUVENILE, WITH PULMONARY ARTERIOVENOUS MALFORMATION; TELANGIECTASIA, HEREDITARY HEMORRHAGIC, WITH JUVENILE POLYPOSIS COLI; Juvenile Polyposis Syndrome / Hereditary Hemorrhagic Telangiectasia (JPS/HHT); JP/HHT SYNDROME; JUVENILE POLYPOSIS WITH HEREDITARY HEMORRHAGIC TELANGIECTASIA. Identifiers: Orphanet 2929, MedGen C1832942, MONDO:0008278, OMIM 175050.

Allele frequency attached by ClinVar (database versions not stated): gnomAD exomes below 0.00001; TOPMed below 0.00001; gnomAD 0.00001.
gnomAD v4.1: 2 of 1,604,668 alleles (0.00012%); highest among the groups gnomAD compares: Non-Finnish European, 0.00017%; no homozygotes.

Submissions (3):

Labcorp Genetics (formerly Invitae), Labcorp
Classification: Likely benign for Juvenile polyposis syndrome. Last evaluated: 2026-01-28. Review status: criteria provided, single submitter. Criteria: Invitae Variant Classification Sherloc (09022015). Collection method: clinical testing. Allele origin: germline.

Color Diagnostics, LLC DBA Color Health
Classification: Uncertain significance for Hereditary cancer-predisposing syndrome. Last evaluated: 2025-07-09. Review status: criteria provided, single submitter. Criteria: ACMG Guidelines, 2015. Collection method: clinical testing. Allele origin: germline.
Comment: This variant causes a T to C nucleotide substitution at the +6 position of intron 5 of the SMAD4 gene. Splice site prediction tools predict that this variant may have a significant impact on RNA splicing. To our knowledge, RNA studies have not been reported for this variant. This variant has not been reported in individuals affected with SMAD4-related disorders in the literature. This variant has not been identified in the general population by the Genome Aggregation Database (gnomAD). The available evidence is insufficient to determine the role of this variant in disease conclusively. Therefore, this variant is classified as a Variant of Uncertain Significance.

Baylor Genetics
Classification: Uncertain significance for Juvenile polyposis/hereditary hemorrhagic telangiectasia syndrome. Last evaluated: 2022-12-07. Review status: criteria provided, single submitter. Criteria: ACMG Guidelines, 2015. Collection method: clinical testing. Allele origin: unknown.

NM_005359.6(SMAD4):c.667+6T>C

Gene: SMAD4 (SMAD family member 4; plus strand). Cytogenetic location: 18q21.2.
Variant type: single nucleotide variant.
Coding change: c.667+6T>C on transcript NM_005359.6 (MANE Select); 6 bases into the intron after coding-DNA position 667, T replaced by C.
Molecular consequence: intron variant.
Genome position (GRCh38, 1-based): chr18:51,054,999, T>C. VCF-style: chr18-51054999-T-C. GRCh37 (hg19) VCF-style: chr18-48581369-T-C.
Identifiers: ClinVar variation 405505 (VCV000405505.11), dbSNP rs1060500745, ClinGen allele CA16616076.
Genomic context (GRCh38, chr18:51,054,999, plus strand): 5'-GAGTCTAATGCTACCAGCACTGCCAACTTTCCCAACATTCCTGTGGCTTCCACAAGTGAG[T>C]TCTAGAATCAGATGTAGTCAGCAAGTTGAGTTTTCCTAATCATTGCTTATTTATGTGTAG-3'